The following is an entry in ClinVar:

ClinVar aggregate classification (germline): Pathogenic/Likely pathogenic. Review status: criteria provided, multiple submitters, no conflicts (2 of 4 stars). 2 submissions from 2 submitters: Pathogenic (1); Likely pathogenic (1). Last evaluated 2025-11-12.

Conditions:
Primary ciliary dyskinesia. Also called: Ciliary dyskinesia. Identifiers: Orphanet 244, MedGen C0008780, MONDO:0016575, HP:0012265.
Retinitis pigmentosa 3. Also called: CHOROIDORETINAL DEGENERATION WITH RETINAL REFLEX IN HETEROZYGOUS WOMEN. Identifiers: Orphanet 791, MedGen C1845667, MONDO:0010227, OMIM 300029.

Submissions (2):

Labcorp Genetics (formerly Invitae), Labcorp
Classification: Pathogenic for Primary ciliary dyskinesia. Last evaluated: 2025-11-12. Review status: criteria provided, single submitter. Criteria: Invitae Variant Classification Sherloc (09022015). Collection method: clinical testing. Allele origin: germline.
Comment: This sequence change creates a premature translational stop signal (p.Glu996Argfs*82) in the RPGR (ORF15) gene. While this is not anticipated to result in nonsense mediated decay, it is expected to disrupt the last 157 amino acid(s) of the RPGR (ORF15) protein. This variant is not present in population databases (gnomAD no frequency). This premature translational stop signal has been observed in individual(s) with retinitis pigmentosa (PMID: 17923551). ClinVar contains an entry for this variant (Variation ID: 3775255). This variant disrupts a region of the RPGR (ORF15) protein in which other variant(s) (p.Asn1132Thrfs*20) have been determined to be pathogenic (internal data). This suggests that this is a clinically significant region of the protein, and that variants that disrupt it are likely to be disease-causing. For these reasons, this variant has been classified as Pathogenic.

3billion
Classification: Likely pathogenic for Retinitis pigmentosa 3. Last evaluated: 2023-11-14. Review status: criteria provided, single submitter. Criteria: ACMG Guidelines, 2015. Collection method: clinical testing. Allele origin: germline. Affected: yes.
Comment: The variant is not observed in the gnomAD v2.1.1 dataset. Predicted Consequence/Location: Frameshift: predicted to result in a loss or disruption of normal protein function through protein truncation. The predicted truncated protein may be shortened by more than 10%. Therefore, this variant is classified as Likely pathogenic according to the recommendation of ACMG/AMP guideline.

Literature cited by the submitters: PubMed 17923551 (cited by Labcorp Genetics (formerly Invitae), Labcorp).

NM_001034853.2(RPGR):c.2985_2986del (p.Glu996fs)

Gene: RPGR (retinitis pigmentosa GTPase regulator; minus strand). Cytogenetic location: Xp11.4.
Variant type: Deletion.
Coding change: c.2985_2986del on transcript NM_001034853.2 (MANE Select); coding-DNA positions 2985 to 2986, 2 bases deleted (GG; older notation c.2985_2986delGG).
Protein change: p.Glu996fs; shifts the reading frame from glutamic acid 996.
Molecular consequence: frameshift variant. On other transcripts: intron variant (8).
Genome position (GRCh38, 1-based): chrX:38,286,013-38,286,014, CC deleted on the plus strand (GG on the coding strand, the reverse complement: RPGR is on the minus strand); deleting any 2 consecutive bases within chrX:38,286,013-38,286,016 gives the same sequence; the c. name uses the placement nearest the transcript's 3' end. VCF-style (leftmost placement, unchanged base first): chrX-38286012-TCC-T. GRCh37 (hg19) VCF-style: chrX-38145265-TCC-T.
Other names: c.1569+4945_1569+4946del (NM_001367249.1, NM_001367250.1); c.1902+1080_1902+1081del (NM_001367245.1); c.1386+4945_1386+4946del (NM_001367251.1); c.1719+1080_1719+1081del (NM_001367246.1); c.1572+4945_1572+4946del (NM_001367247.1); c.1905+1080_1905+1081del (NM_000328.3); c.1602+4945_1602+4946del (NM_001367248.1); short protein forms E996fs.
Identifiers: ClinVar variation 3775255 (VCV003775255.2).